The following is an entry in ClinVar:

ClinVar aggregate classification (germline): Benign/Likely benign. Review status: criteria provided, multiple submitters, no conflicts (2 of 4 stars). 9 submissions from 9 submitters: Benign (2); Likely benign (7). Last evaluated 2026-06-01.

Conditions:
Polymerase proofreading-related adenomatous polyposis. Also called: Polymerase proofreading associated polyposis; Polymerase proofreading–associated polyposis (PPAP). Identifiers: Orphanet 447877, MedGen C5202613, MONDO:0018653.
Familial colorectal cancer type X. Identifiers: Orphanet 440437, MedGen C3896578, MONDO:0018604.
Hereditary cancer-predisposing syndrome. Also called: Neoplastic Syndromes, Hereditary; Hereditary Cancer Syndrome; Tumor predisposition; Hereditary neoplastic syndrome. Identifiers: Orphanet 140162, MedGen C0027672, MeSH D009386, MONDO:0015356.
Colorectal cancer, susceptibility to, 12 (CRCS12). Also called: COLORECTAL CANCER, SUSCEPTIBILITY TO, ON CHROMOSOME 12q24. Identifiers: Orphanet 220460, MedGen C3554460, MONDO:0014038, OMIM 615083.

Allele frequency attached by ClinVar (database versions not stated): gnomAD exomes 0.00010; TOPMed 0.00003; gnomAD 0.00004.
gnomAD v4.1: 158 of 1,613,388 alleles (0.0098%); highest among the groups gnomAD compares: South Asian, 0.014%; no homozygotes.

Submissions (9):

CeGaT Center for Human Genetics Tuebingen
Classification: Likely benign. Last evaluated: 2026-06-01. Review status: criteria provided, single submitter. Criteria: CeGaT Center For Human Genetics Tuebingen Variant Classification Criteria Version 2. Collection method: clinical testing. Allele origin: germline. Affected: yes. Observed: 2 variant alleles.
Comment: POLE: BP4, BP7

Labcorp Genetics (formerly Invitae), Labcorp
Classification: Likely benign. Last evaluated: 2025-12-13. Review status: criteria provided, single submitter. Criteria: Invitae Variant Classification Sherloc (09022015). Collection method: clinical testing. Allele origin: germline.

Center for Genomic Medicine, Rigshospitalet, Copenhagen University Hospital
Classification: Likely benign. Last evaluated: 2025-03-04. Review status: criteria provided, single submitter. Criteria: ACMG Guidelines, 2015. Collection method: clinical testing. Allele origin: germline.

KCCC/NGS Laboratory, Kuwait Cancer Control Center
Classification: Likely benign for Colorectal cancer, susceptibility to, 12. Last evaluated: 2023-07-07. Review status: criteria provided, single submitter. Criteria: ACMG Guidelines, 2015. Collection method: clinical testing. Allele origin: germline. Affected: yes.

Department of Pathology and Laboratory Medicine, Sinai Health System
Classification: Likely benign for Polymerase proofreading-related adenomatous polyposis; Familial colorectal cancer type X. Last evaluated: 2022-01-28. Review status: criteria provided, single submitter. Criteria: ACMG Guidelines, 2015. Collection method: clinical testing. Allele origin: germline. Affected: yes.

GeneDx
Classification: Likely benign. Last evaluated: 2020-06-29. Review status: criteria provided, single submitter. Criteria: GeneDx Variant Classification Process June 2021. Collection method: clinical testing. Allele origin: germline. Affected: yes.

Women's Health and Genetics/Laboratory Corporation of America, LabCorp
Classification: Benign. Last evaluated: 2019-03-28. Review status: criteria provided, single submitter. Criteria: LabCorp Variant Classification Summary - May 2015. Collection method: clinical testing. Allele origin: germline.
Comment: Variant summary: POLE c.555C>T results in a synonymous change. 5/5 computational tools predict no significant impact on normal splicing. However, these predictions have yet to be confirmed by functional studies. The variant allele was found at a frequency of 7.2e-05 in 277132 control chromosomes (gnomAD). The observed variant frequency is approximately 5 fold of the estimated maximal expected allele frequency for a pathogenic variant in POLE causing Colorectal Cancer phenotype (1.4e-05), strongly suggesting that the variant is benign. To our knowledge, no occurrence of c.555C>T in individuals affected with Colorectal Cancer and no experimental evidence demonstrating its impact on protein function have been reported. Three clinical diagnostic laboratories have submitted clinical-significance assessments for this variant to ClinVar after 2014 without evidence for independent evaluation. All laboratories classified the variant as likely benign. Based on the evidence outlined above, the variant was classified as benign.

Quest Diagnostics Nichols Institute San Juan Capistrano
Classification: Benign. Last evaluated: 2018-12-14. Review status: criteria provided, single submitter. Criteria: Quest Diagnostics criteria. Collection method: clinical testing. Allele origin: germline.

Ambry Genetics
Classification: Likely benign for Hereditary cancer-predisposing syndrome. Last evaluated: 2015-08-10. Review status: criteria provided, single submitter. Criteria: Ambry Variant Classification Scheme 2023. Collection method: clinical testing. Allele origin: germline.

NM_006231.4(POLE):c.555C>T (p.Asp185=)

Gene: POLE (DNA polymerase epsilon, catalytic subunit; minus strand). Cytogenetic location: 12q24.33.
Variant type: single nucleotide variant.
Coding change: c.555C>T on transcript NM_006231.4 (MANE Select); coding-DNA position 555, C replaced by T.
Protein change: p.Asp185=; no amino-acid change (aspartic acid 185 retained).
Molecular consequence: synonymous variant.
Genome position (GRCh38, 1-based): chr12:132,679,520, G>A on the plus strand (C>T on the coding strand, the complement: POLE is on the minus strand). VCF-style: chr12-132679520-G-A. GRCh37 (hg19) VCF-style: chr12-133256106-G-A.
Identifiers: ClinVar variation 221120 (VCV000221120.46), dbSNP rs763871536, ClinGen allele CA348598.